The following is an entry in ClinVar:

NM_000312.4(PROC):c.250T>C (p.Ser84Pro)

Gene: PROC (protein C, inactivator of coagulation factors Va and VIIIa; plus strand). Cytogenetic location: 2q14.3.
Variant type: single nucleotide variant.
Coding change: c.250T>C on transcript NM_000312.4 (MANE Select); coding-DNA position 250, T replaced by C.
Protein change: p.Ser84Pro; replaces serine 84 with proline.
Molecular consequence: missense variant.
Genome position (GRCh38, 1-based): chr2:127,422,929, T>C. VCF-style: chr2-127422929-T-C. GRCh37 (hg19) VCF-style: chr2-128180505-T-C.
Other names: c.433T>C, p.Ser145Pro (NM_001375602.1); c.313T>C, p.Ser105Pro (NM_001375603.1, NM_001375604.1, NM_001375606.1); c.250T>C, p.Ser84Pro (NM_001375605.1, NM_001375608.1, NM_001375611.1 and 1 more transcripts); c.334T>C, p.Ser112Pro (NM_001375607.1); c.226T>C, p.Ser76Pro (NM_001375609.1); c.244T>C, p.Ser82Pro (NM_001375610.1); short protein forms S105P, S84P, S82P, S112P, S145P, S76P.
Identifiers: ClinVar variation 2899634 (VCV002899634.3), dbSNP rs1688199561, ClinGen allele CA348398653.

ClinVar aggregate classification (germline): Uncertain significance (1 of 4 stars; one submission).

Conditions:
Thrombophilia due to protein C deficiency, autosomal dominant. Also called: PROC DEFICIENCY, AUTOSOMAL DOMINANT; PROTEIN C DEFICIENCY, AUTOSOMAL DOMINANT. Identifiers: Orphanet 745, MedGen C2674321, MONDO:0008316, OMIM 176860. Disease mechanism: loss of function.

Submission:

Labcorp Genetics (formerly Invitae), Labcorp
Classification: Uncertain significance for Thrombophilia due to protein C deficiency, autosomal dominant. Last evaluated: 2023-02-05. Review status: criteria provided, single submitter. Criteria: Invitae Variant Classification Sherloc (09022015). Collection method: clinical testing. Allele origin: germline.
Comment: In summary, the available evidence is currently insufficient to determine the role of this variant in disease. Therefore, it has been classified as a Variant of Uncertain Significance. Algorithms developed to predict the effect of missense changes on protein structure and function are either unavailable or do not agree on the potential impact of this missense change (SIFT: "Tolerated"; PolyPhen-2: "Possibly Damaging"; Align-GVGD: "Class C0"). This variant has not been reported in the literature in individuals affected with PROC-related conditions. This variant is not present in population databases (gnomAD no frequency). This sequence change replaces serine, which is neutral and polar, with proline, which is neutral and non-polar, at codon 84 of the PROC protein (p.Ser84Pro).